The following is an entry in ClinVar:

ClinVar aggregate classification (germline): Pathogenic/Likely pathogenic. Review status: criteria provided, multiple submitters, no conflicts (2 of 4 stars). 3 submissions from 3 submitters: Pathogenic (1); Likely pathogenic (2). Last evaluated 2024-11-21.

Conditions:
CLCN7-related disorder. Also called: CLCN7-related condition.

Allele frequency attached by ClinVar (database versions not stated): gnomAD exomes below 0.00001.

Submissions (3):

GeneDx
Classification: Likely pathogenic. Last evaluated: 2024-11-21. Review status: criteria provided, single submitter. Criteria: GeneDx Variant Classification Process June 2021. Collection method: clinical testing. Allele origin: germline. Affected: yes.
Comment: Nonsense variant predicted to result in protein truncation or nonsense mediated decay in a gene for which loss of function is a known mechanism of disease; Not observed at significant frequency in large population cohorts (gnomAD); Has not been previously published as pathogenic or benign to our knowledge

Labcorp Genetics (formerly Invitae), Labcorp
Classification: Pathogenic. Last evaluated: 2023-05-22. Review status: criteria provided, single submitter. Criteria: Invitae Variant Classification Sherloc (09022015). Collection method: clinical testing. Allele origin: germline.
Comment: For these reasons, this variant has been classified as Pathogenic. This variant has not been reported in the literature in individuals affected with CLCN7-related conditions. This variant is present in population databases (no rsID available, gnomAD 0.003%). This sequence change creates a premature translational stop signal (p.Arg55*) in the CLCN7 gene. It is expected to result in an absent or disrupted protein product. Loss-of-function variants in CLCN7 are known to be pathogenic (PMID: 14584882, 19953639).

Blueprint Genetics
Classification: Likely pathogenic for CLCN7-related disorders. Last evaluated: 2020-02-06. Review status: criteria provided, single submitter. Criteria: ACMG Guidelines, 2015. Collection method: clinical testing. Allele origin: germline. Affected: yes. Observed: 2 variant alleles.

Literature cited by the submitters: PubMed 14584882 (cited by Labcorp Genetics (formerly Invitae), Labcorp); PubMed 19953639 (cited by Labcorp Genetics (formerly Invitae), Labcorp).

NM_001287.6(CLCN7):c.163C>T (p.Arg55Ter)

Gene: CLCN7 (Cl-/H+ antiporter 7; minus strand). Cytogenetic location: 16p13.3.
Variant type: single nucleotide variant.
Coding change: c.163C>T on transcript NM_001287.6 (MANE Select); coding-DNA position 163, C replaced by T.
Protein change: p.Arg55Ter; replaces arginine 55 with a stop codon.
Molecular consequence: nonsense. On other transcripts: intron variant (1).
Genome position (GRCh38, 1-based): chr16:1,465,317, G>A on the plus strand (C>T on the coding strand, the complement: CLCN7 is on the minus strand). VCF-style: chr16-1465317-G-A. GRCh37 (hg19) VCF-style: chr16-1515318-G-A.
Other names: c.163C>T (NM_001287.5); c.142-3643C>T (NM_001114331.3); short protein forms R55*.
Identifiers: ClinVar variation 3004669 (VCV003004669.5), dbSNP rs865969846, ClinGen allele CA276685923.